The following is an entry in ClinVar:

NM_001100.4(ACTA1):c.676G>A (p.Glu226Lys)

Gene: ACTA1 (actin alpha 1, skeletal muscle; minus strand). Cytogenetic location: 1q42.13.
Variant type: single nucleotide variant.
Coding change: c.676G>A on transcript NM_001100.4 (MANE Select); coding-DNA position 676, G replaced by A.
Protein change: p.Glu226Lys; replaces glutamic acid 226 with lysine.
Molecular consequence: missense variant.
Genome position (GRCh38, 1-based): chr1:229,432,126, C>T on the plus strand (G>A on the coding strand, the complement: ACTA1 is on the minus strand). VCF-style: chr1-229432126-C-T. GRCh37 (hg19) VCF-style: chr1-229567873-C-T.
Other names: short protein forms E226K.
Identifiers: ClinVar variation 858299 (VCV000858299.12), dbSNP rs1057521118, ClinGen allele CA345147129.

ClinVar aggregate classification (germline): Uncertain significance. Review status: criteria provided, multiple submitters, no conflicts (2 of 4 stars). 2 submissions from 2 submitters: Uncertain significance (2). Last evaluated 2022-07-19.

Conditions:
Actin accumulation myopathy (CMYO2A). Also called: CONGENITAL MYOPATHY 2A, TYPICAL, AUTOSOMAL DOMINANT; Nemaline myopathy type 3; Myopathy, actin, congenital, with excess of thin myofilaments; Myopathy, actin, congenital, with cores; Nemaline myopathy 3, with intranuclear rods. Identifiers: Orphanet 98904, MedGen C3711389, MONDO:0008070, OMIM 161800.

Submissions (2):

Labcorp Genetics (formerly Invitae), Labcorp
Classification: Uncertain significance for Actin accumulation myopathy. Last evaluated: 2022-07-19. Review status: criteria provided, single submitter. Criteria: Invitae Variant Classification Sherloc (09022015). Collection method: clinical testing. Allele origin: germline.
Comment: This sequence change replaces glutamic acid, which is acidic and polar, with lysine, which is basic and polar, at codon 226 of the ACTA1 protein (p.Glu226Lys). In summary, the available evidence is currently insufficient to determine the role of this variant in disease. Therefore, it has been classified as a Variant of Uncertain Significance. This variant disrupts the p.Glu226 amino acid residue in ACTA1. Other variant(s) that disrupt this residue have been observed in individuals with ACTA1-related conditions (PMID: 12921789), which suggests that this may be a clinically significant amino acid residue. Advanced modeling of protein sequence and biophysical properties (such as structural, functional, and spatial information, amino acid conservation, physicochemical variation, residue mobility, and thermodynamic stability) performed at Invitae indicates that this missense variant is expected to disrupt ACTA1 protein function. ClinVar contains an entry for this variant (Variation ID: 858299). This variant has not been reported in the literature in individuals affected with ACTA1-related conditions. This variant is not present in population databases (gnomAD no frequency).

Revvity Omics, Revvity
Classification: Uncertain significance. Last evaluated: 2021-10-29. Review status: criteria provided, single submitter. Criteria: ACMG Guidelines, 2015. Collection method: clinical testing. Allele origin: germline.

Literature cited by the submitters: PubMed 12921789 (cited by Labcorp Genetics (formerly Invitae), Labcorp).